The following is an entry in ClinVar:

ClinVar aggregate classification (germline): Uncertain significance (1 of 4 stars; one submission).

Conditions:
Hereditary cancer-predisposing syndrome. Also called: Tumor predisposition; Hereditary Cancer Syndrome; Hereditary neoplastic syndrome; Neoplastic Syndromes, Hereditary. Identifiers: Orphanet 140162, MedGen C0027672, MeSH D009386, MONDO:0015356.

Allele frequency attached by ClinVar (database versions not stated): gnomAD exomes below 0.00001.
gnomAD v4.1: 1 of 1,614,034 alleles (0.000062%); highest among the groups gnomAD compares: South Asian, 0.0011%; no homozygotes.

Submission:

Ambry Genetics
Classification: Uncertain significance for Hereditary cancer-predisposing syndrome. Last evaluated: 2023-07-24. Review status: criteria provided, single submitter. Criteria: Ambry Variant Classification Scheme 2023. Collection method: clinical testing. Allele origin: germline.
Comment: The p.V118D variant (also known as c.353T>A), located in coding exon 4 of the TSC2 gene, results from a T to A substitution at nucleotide position 353. The valine at codon 118 is replaced by aspartic acid, an amino acid with highly dissimilar properties. This amino acid position is conserved. In addition, the in silico prediction for this alteration is inconclusive. Since supporting evidence is limited at this time, the clinical significance of this alteration remains unclear.

NM_000548.5(TSC2):c.353T>A (p.Val118Asp)

Gene: TSC2 (TSC complex subunit 2; plus strand). Cytogenetic location: 16p13.3.
Variant type: single nucleotide variant.
Coding change: c.353T>A on transcript NM_000548.5 (MANE Select); coding-DNA position 353, T replaced by A.
Protein change: p.Val118Asp; replaces valine 118 with aspartic acid.
Molecular consequence: missense variant. On other transcripts: 5 prime UTR variant (14), non-coding transcript variant (5), intron variant (6).
Genome position (GRCh38, 1-based): chr16:2,054,312, T>A. VCF-style: chr16-2054312-T-A. GRCh37 (hg19) VCF-style: chr16-2104313-T-A.
Other names: c.353T>A, p.Val118Asp (NM_001077183.3, NM_001114382.3, NM_001363528.2 and 8 more transcripts); c.242T>A, p.Val81Asp (NM_001318827.2, NM_001406670.1, NM_001406678.1); c.206T>A, p.Val69Asp (NM_001318829.2, NM_001406675.1, NM_001406676.1 and 1 more transcripts); c.386T>A, p.Val129Asp (NM_001318832.2); c.443T>A, p.Val148Asp (NM_001406667.1, NM_001406668.1); c.296T>A, p.Val99Asp (NM_001406677.1); c.-464T>A (NM_001406680.1, NM_001406683.1, NM_001406687.1); c.-93T>A (NM_001406681.1); and 6 more; short protein forms V118D, V69D, V81D, V148D, V99D, V129D.
Identifiers: ClinVar variation 2626427 (VCV002626427.2), dbSNP rs2548413255, ClinGen allele CA394306537.